The following is an entry in ClinVar:

ClinVar aggregate classification (germline): Uncertain significance (1 of 4 stars; one submission).

Submission:

Women's Health and Genetics/Laboratory Corporation of America, LabCorp
Classification: Uncertain significance. Last evaluated: 2025-03-20. Review status: criteria provided, single submitter. Criteria: LabCorp Variant Classification Summary - May 2015. Collection method: clinical testing. Allele origin: germline.
Comment: Variant summary: HBB c.211G>C (p.Ala71Pro), also described as Hb Abington, results in a non-conservative amino acid change in the encoded protein sequence. Three of five in-silico tools predict a damaging effect of the variant on protein function. The variant was absent in 251428 control chromosomes. The available data on variant occurrences in the general population are insufficient to allow any conclusion about variant significance. c.211G>C has been reported in the literature in individuals affected with Hemoglobinopathy (Hoyer_2005). These report(s) do not provide unequivocal conclusions about association of the variant with Hemoglobinopathy. To our knowledge, no experimental evidence demonstrating an impact on protein function has been reported. The following publication has been ascertained in the context of this evaluation (PMID: 16370483). No submitters have cited clinical-significance assessments for this variant to ClinVar. Based on the evidence outlined above, the variant was classified as uncertain significance.

Literature cited by the submitters: PubMed 16370483.

NM_000518.5(HBB):c.211G>C (p.Ala71Pro)

Genes: HBB (hemoglobin subunit beta; minus strand), LOC107133510 (origin of replication at HBB; plus strand), LOC106099062 (HBB recombination region; plus strand). Cytogenetic location: 11p15.4.
Variant type: single nucleotide variant.
Coding change: c.211G>C on transcript NM_000518.5 (MANE Select); coding-DNA position 211, G replaced by C.
Protein change: p.Ala71Pro; replaces alanine 71 with proline.
Molecular consequence: missense variant.
Genome position (GRCh38, 1-based): chr11:5,226,681, C>G on the plus strand (G>C on the coding strand, the complement: HBB is on the minus strand). VCF-style: chr11-5226681-C-G. GRCh37 (hg19) VCF-style: chr11-5247911-C-G.
Other names: short protein forms A71P.
Identifiers: ClinVar variation 3896065 (VCV003896065.1).